The following is an entry in ClinVar:

NM_001042492.3(NF1):c.2160G>A (p.Arg720=)

Gene: NF1 (neurofibromin 1; plus strand). Cytogenetic location: 17q11.2.
Variant type: single nucleotide variant.
Coding change: c.2160G>A on transcript NM_001042492.3 (MANE Select); coding-DNA position 2160, G replaced by A.
Protein change: p.Arg720=; no amino-acid change (arginine 720 retained).
Molecular consequence: synonymous variant.
Genome position (GRCh38, 1-based): chr17:31,226,593, G>A. VCF-style: chr17-31226593-G-A. GRCh37 (hg19) VCF-style: chr17-29553611-G-A.
Other names: c.2160G>A, p.Arg720= (NM_000267.4).
Identifiers: ClinVar variation 766319 (VCV000766319.10), dbSNP rs765339408, ClinGen allele CA8485919.
Genomic context (GRCh38, chr17:31,226,593, plus strand): 5'-TGAAGCTGTTCTGGTTGCCATGTCCTGTTTCCGCCACCTCTGTGAGGAAGCAGATATCCG[G>A]TGTGGGGTGGATGAAGTGTCAGTGCATAACCTCTTGCCCAACTATAACACATTCATGGAG-3'
Protein context (NP_001035957.1, residues 710-730): FRHLCEEADI[Arg720=]CGVDEVSVHN

ClinVar aggregate classification (germline): Benign/Likely benign. Review status: criteria provided, multiple submitters, no conflicts (2 of 4 stars). 3 submissions from 3 submitters: Benign (1); Likely benign (2). Last evaluated 2026-05-18.

Conditions:
Neurofibromatosis, type 1 (NF1). Also called: NEUROFIBROMATOSIS, TYPE I, SOMATIC; Peripheral type neurofibromatosis; VON RECKLINGHAUSEN DISEASE; Neurofibromatosis, type I. Identifiers: Orphanet 636, MedGen C0027831, MONDO:0018975, OMIM 162200. Disease mechanism: loss of function.
Cardiovascular phenotype. Identifiers: MedGen CN230736.
Hereditary cancer-predisposing syndrome. Also called: Tumor predisposition; Hereditary Cancer Syndrome; Hereditary neoplastic syndrome; Neoplastic Syndromes, Hereditary. Identifiers: Orphanet 140162, MedGen C0027672, MeSH D009386, MONDO:0015356.

Allele frequency attached by ClinVar (database versions not stated): ExAC 0.00001; gnomAD exomes below 0.00001.
gnomAD v4.1: 7 of 1,613,916 alleles (0.00043%); highest among the groups gnomAD compares: Non-Finnish European, 0.00059%; no homozygotes.

Submissions (3):

Myriad Genetics, Inc.
Classification: Benign for Neurofibromatosis, type 1. Last evaluated: 2026-05-18. Review status: criteria provided, single submitter. Criteria: Myriad Autosomal Dominant, Autosomal Recessive and X-Linked Classification Criteria (2023). Collection method: clinical testing. Allele origin: unknown.
Comment: This variant is considered benign. This variant is a silent/synonymous amino acid change and it is not expected to impact splicing.

Labcorp Genetics (formerly Invitae), Labcorp
Classification: Likely benign for Neurofibromatosis, type 1. Last evaluated: 2025-12-21. Review status: criteria provided, single submitter. Criteria: Invitae Variant Classification Sherloc (09022015). Collection method: clinical testing. Allele origin: germline.

Ambry Genetics
Classification: Likely benign for Cardiovascular phenotype; Hereditary cancer-predisposing syndrome. Last evaluated: 2022-05-07. Review status: criteria provided, single submitter. Criteria: Ambry Variant Classification Scheme 2023. Collection method: clinical testing. Allele origin: germline.